The following is an entry in ClinVar:

NM_001199397.3(NEK1):c.2411A>G (p.Asp804Gly)

Gene: NEK1 (NIMA related kinase 1; minus strand). Cytogenetic location: 4q33.
Variant type: single nucleotide variant.
Coding change: c.2411A>G on transcript NM_001199397.3 (MANE Select); coding-DNA position 2411, A replaced by G.
Protein change: p.Asp804Gly; replaces aspartic acid 804 with glycine.
Molecular consequence: missense variant. On other transcripts: non-coding transcript variant (1).
Genome position (GRCh38, 1-based): chr4:169,477,147, T>C on the plus strand (A>G on the coding strand, the complement: NEK1 is on the minus strand). VCF-style: chr4-169477147-T-C. GRCh37 (hg19) VCF-style: chr4-170398298-T-C.
Other names: c.2279A>G, p.Asp760Gly (NM_001199398.3); c.2120A>G, p.Asp707Gly (NM_001199399.3); c.2195A>G, p.Asp732Gly (NM_001199400.3); c.2411A>G, p.Asp804Gly (NM_001374418.1); c.2327A>G, p.Asp776Gly (NM_001374419.1, NM_012224.4); c.2276A>G, p.Asp759Gly (NM_001374420.1); c.2105A>G, p.Asp702Gly (NM_001374421.1); short protein forms D702G, D707G, D732G, D759G, D760G, D776G, D804G.
Identifiers: ClinVar variation 2631833 (VCV002631833.2), dbSNP rs772431190, ClinGen allele CA3137422.

ClinVar aggregate classification (germline): Uncertain significance. Review status: criteria provided, multiple submitters, no conflicts (2 of 4 stars). 2 submissions from 2 submitters: Uncertain significance (2). Last evaluated 2024-05-27.

Conditions:
NEK1-related disorder. Also called: NEK1-related condition.

Allele frequency attached by ClinVar (database versions not stated): ExAC 0.00002; gnomAD 0.00002; gnomAD exomes 0.00002; TOPMed 0.00003.
gnomAD v4.1: 36 of 1,603,368 alleles (0.0022%); highest among the groups gnomAD compares: Non-Finnish European, 0.003%; no homozygotes.

Submissions (2):

Blueprint Genetics
Classification: Uncertain significance. Last evaluated: 2024-05-27. Review status: criteria provided, single submitter. Criteria: ACMG Guidelines, 2015. Collection method: clinical testing. Allele origin: germline.

PreventionGenetics, part of Exact Sciences
Classification: Uncertain significance for NEK1-related condition. Last evaluated: 2023-03-01. Review status: criteria provided, single submitter. Criteria: ACMG Guidelines, 2015. Collection method: clinical testing. Allele origin: germline.
Comment: The NEK1 c.2327A>G variant is predicted to result in the amino acid substitution p.Asp776Gly. To our knowledge, this variant has not been reported in the literature. This variant is reported in 0.0025% of alleles in individuals of European (Non-Finnish) descent in gnomAD. At this time, the clinical significance of this variant is uncertain due to the absence of conclusive functional and genetic evidence.